The following is an entry in ClinVar:

NM_001018005.2(TPM1):c.374+138A>C

Gene: TPM1 (tropomyosin 1; plus strand). Cytogenetic location: 15q22.2.
Variant type: single nucleotide variant.
Coding change: c.374+138A>C on transcript NM_001018005.2 (MANE Select); 138 bases into the intron after coding-DNA position 374, A replaced by C.
Molecular consequence: intron variant.
Genome position (GRCh38, 1-based): chr15:63,057,256, A>C. VCF-style: chr15-63057256-A-C. GRCh37 (hg19) VCF-style: chr15-63349455-A-C.
Other names: c.500+138A>C (NM_001365778.1); c.374+138A>C (NM_001018020.2, NM_001018007.2, NM_001018006.2 and 6 more transcripts); c.266+138A>C (NM_001330351.2, NM_001330344.2, NM_001018008.2 and 5 more transcripts).
Identifiers: ClinVar variation 675671 (VCV000675671.2), dbSNP rs16946383, ClinGen allele CA272031723.

ClinVar aggregate classification (germline): Likely benign. Review status: criteria provided, multiple submitters, no conflicts (2 of 4 stars). 2 submissions from 2 submitters: Likely benign (2). Last evaluated 2018-06-14.

Allele frequency attached by ClinVar (database versions not stated): gnomAD exomes 0.00155; gnomAD 0.01389 and 0.01495; TOPMed 0.01552; 1000 Genomes Project 0.01558; 1000 Genomes Project 30x 0.01811.
gnomAD v4.1: 3,913 of 1,250,474 alleles (0.31%); highest among the groups gnomAD compares: African/African-American, 4.7%; 73 homozygotes.

Submissions (2):

GeneDx
Classification: Likely benign. Last evaluated: 2018-06-14. Review status: criteria provided, single submitter. Criteria: GeneDx Variant Classification (06012015). Collection method: clinical testing. Allele origin: germline. Affected: yes.
Comment: This variant is considered likely benign or benign based on one or more of the following criteria: it is a conservative change, it occurs at a poorly conserved position in the protein, it is predicted to be benign by multiple in silico algorithms, and/or has population frequency not consistent with disease.

Breakthrough Genomics
Classification: Likely benign. Review status: criteria provided, single submitter. Criteria: ACMG Guidelines, 2015. Collection method: not provided. Allele origin: germline. Inheritance: Autosomal dominant inheritance. Affected: yes.